The following is an entry in ClinVar:

NM_133510.4(RAD51B):c.278C>T (p.Ala93Val)

Gene: RAD51B (RAD51 paralog B; plus strand). Cytogenetic location: 14q24.1.
Variant type: single nucleotide variant.
Coding change: c.278C>T on transcript NM_133510.4 (MANE Select); coding-DNA position 278, C replaced by T.
Protein change: p.Ala93Val; replaces alanine 93 with valine.
Molecular consequence: missense variant. On other transcripts: 5 prime UTR variant (1).
Genome position (GRCh38, 1-based): chr14:67,835,159, C>T. VCF-style: chr14-67835159-C-T. GRCh37 (hg19) VCF-style: chr14-68301876-C-T.
Other names: c.278C>T, p.Ala93Val (NM_001321809.2, NM_001321810.2, NM_001321812.1 and 6 more transcripts); c.164C>T, p.Ala55Val (NM_001321815.1); c.-178C>T (NM_001321817.2); short protein forms A93V, A55V.
Identifiers: ClinVar variation 3942329 (VCV003942329.1).

ClinVar aggregate classification (germline): Uncertain significance (1 of 4 stars; one submission).

gnomAD v4.1: 1 of 1,613,996 alleles (0.000062%); highest among the groups gnomAD compares: Non-Finnish European, 0.000085%; no homozygotes.

Submission:

Ambry Genetics
Classification: Uncertain significance. Last evaluated: 2025-05-25. Review status: criteria provided, single submitter. Criteria: Ambry Variant Classification Scheme 2023. Collection method: clinical testing. Allele origin: germline.
Comment: The p.A93V variant (also known as c.278C>T), located in coding exon 3 of the RAD51B gene, results from a C to T substitution at nucleotide position 278. The alanine at codon 93 is replaced by valine, an amino acid with similar properties. This amino acid position is conserved. In addition, this alteration is predicted to be tolerated by in silico analysis. Based on the available evidence, the clinical significance of this variant remains unclear.